The following is an entry in ClinVar:

ClinVar aggregate classification (germline): Pathogenic/Likely pathogenic. Review status: criteria provided, multiple submitters, no conflicts (2 of 4 stars). 16 submissions from 15 submitters: Pathogenic (13); Likely pathogenic (1). 2 of the submissions do not count toward it. Last evaluated 2026-06-22.

Conditions:
SKIN/HAIR/EYE PIGMENTATION 3, LIGHT/DARK SKIN (SHEP3). Also called: EYE COLOR 1; EYE COLOR, GREEN/BLUE; SKIN/HAIR/EYE PIGMENTATION, VARIATION IN, 3; SKIN/HAIR/EYE PIGMENTATION 3, BLUE/GREEN EYE COLOR; SKIN/HAIR/EYE PIGMENTATION 3, FRECKLING. Identifiers: MedGen C2677190, OMIM 601800.
Oculocutaneous albinism type 1A (OCA1A). Also called: Albinism, oculocutaneous, type IA. Identifiers: Orphanet 352731, Orphanet 79431, MedGen C4551504, MONDO:0008745, OMIM 203100. Disease mechanism: loss of function.
Oculocutaneous albinism type 1B (OCA1B). Also called: ALBINISM, OCULOCUTANEOUS, TYPE IB; YELLOW ALBINISM; ALBINISM, YELLOW MUTANT TYPE. Identifiers: Orphanet 352731, Orphanet 352737, Orphanet 79434, MedGen C1847024, MONDO:0011749, OMIM 606952.
Ocular albinism with congenital sensorineural hearing loss. Identifiers: MedGen CN028925.
TYR-related disorder. Also called: TYR-related condition.
Oculocutaneous albinism. Identifiers: Orphanet 55, MedGen C0078918, MONDO:0018910.

Allele frequency attached by ClinVar (database versions not stated): TOPMed 0.00002; gnomAD 0.00003.
gnomAD v4.1: 37 of 1,614,110 alleles (0.0023%); highest among the groups gnomAD compares: East Asian, 0.018%; no homozygotes.

Submissions (16):

Kasturba Medical College, Manipal, Kasturba Medical College, Manipal, Manipal Academy of Higher Education, Manipal, India
Classification: Likely pathogenic for Oculocutaneous albinism type 1A. Last evaluated: 2026-06-22. Review status: criteria provided, single submitter. Criteria: ACMG Guidelines, 2015. Collection method: research. Allele origin: biparental. Inheritance: Autosomal recessive inheritance. Affected: yes. Observed: 1 variant allele, 1 homozygote.
Comment: This variant is present in 37 individuals (allele frequency: 0.00002292) in heterozygous state in the gnomAD (v4.1.0) population database and present in an individual in heterozygous state in our in-house data of 4287 exomes. In-silico analysis tools (REVEL, CADD_phred) predict this variant to be damaging to the TYR protein function.

Labcorp Genetics (formerly Invitae), Labcorp
Classification: Pathogenic. Last evaluated: 2025-12-22. Review status: criteria provided, single submitter. Criteria: Invitae Variant Classification Sherloc (09022015). Collection method: clinical testing. Allele origin: germline.
Comment: This sequence change creates a premature translational stop signal (p.Arg116*) in the TYR gene. It is expected to result in an absent or disrupted protein product. Loss-of-function variants in TYR are known to be pathogenic (PMID: 23504663). This variant is present in population databases (rs61753256, gnomAD 0.03%). This premature translational stop signal has been observed in individuals with oculocutaneous albinism (PMID: 31077556, 31199599). ClinVar contains an entry for this variant (Variation ID: 99565). For these reasons, this variant has been classified as Pathogenic.

Women's Health and Genetics/Laboratory Corporation of America, LabCorp
Classification: Pathogenic for Oculocutaneous albinism. Last evaluated: 2025-09-22. Review status: criteria provided, single submitter. Criteria: LabCorp Variant Classification Summary - May 2015. Collection method: clinical testing. Allele origin: germline.
Comment: Variant summary: TYR c.346C>T (p.Arg116X) results in a premature termination codon, predicted to cause a truncation of the encoded protein or absence of the protein due to nonsense mediated decay, which are commonly known mechanisms for disease. The variant allele was found at a frequency of 2.4e-05 in 251354 control chromosomes. c.346C>T has been observed in multiple individuals affected with Oculocutaneous Albinism (e.g. Wei_2022). These data indicate that the variant is very likely to be associated with disease. The following publication has been ascertained in the context of this evaluation (PMID: 34838614). ClinVar contains an entry for this variant (Variation ID: 99565). Based on the evidence outlined above, the variant was classified as pathogenic.

Dasa
Classification: Pathogenic. Last evaluated: 2025-08-11. Review status: criteria provided, single submitter. Criteria: DASA Assertion Criteria. Collection method: clinical testing. Allele origin: germline.
Comment: NM_000372.5(TYR):c.346C>T (p.Arg116*) introduces a premature termination codon predicted to result in loss of normal protein function. Loss-of-function is an established mechanism of disease for this gene. This variant has been observed in affected individuals with related phenotype in a genotype context consistent with recessive disease (PMID: 39251934; PMID: 31199599). This variant has been recurrently observed in individuals with related phenotype (PMID: 39251934; PMID: 31199599). Segregation evidence has been reported in affected families. The variant is present at low frequency in population datasets. Based on the available data, this variant is classified as pathogenic.

Fulgent Genetics
Classification: Pathogenic for Oculocutaneous albinism type 1A; SKIN/HAIR/EYE PIGMENTATION 3, LIGHT/DARK SKIN; Oculocutaneous albinism type 1B. Last evaluated: 2024-02-09. Review status: criteria provided, single submitter. Criteria: ACMG Guidelines, 2015. Collection method: clinical testing. Allele origin: germline.

Baylor Genetics
Classification: Pathogenic for SKIN/HAIR/EYE PIGMENTATION 3, LIGHT/DARK SKIN. Last evaluated: 2023-12-14. Review status: criteria provided, single submitter. Criteria: ACMG Guidelines, 2015. Collection method: clinical testing. Allele origin: unknown.

Blueprint Genetics
Classification: Pathogenic for TYR-related disorders. Last evaluated: 2023-04-17. Review status: criteria provided, single submitter. Criteria: ACMG Guidelines, 2015. Collection method: clinical testing. Allele origin: germline. Affected: yes. Observed: 3 variant alleles.

GeneDx
Classification: Pathogenic. Last evaluated: 2023-02-03. Review status: criteria provided, single submitter. Criteria: GeneDx Variant Classification Process June 2021. Collection method: clinical testing. Allele origin: germline. Affected: yes.
Comment: Nonsense variant predicted to result in protein truncation or nonsense mediated decay in a gene for which loss-of-function is a known mechanism of disease; This variant is associated with the following publications: (PMID: 31077556, 23324268, 10671066, 26252096, 28507374, 31199599, 34426522, 32552135, 35923705, 28378818, 30996339)

Genome-Nilou Lab
Classification: Pathogenic for Oculocutaneous albinism type 1A. Last evaluated: 2021-07-22. Review status: criteria provided, single submitter. Criteria: ACMG Guidelines, 2015. Collection method: clinical testing. Allele origin: germline. Affected: no.

Fulgent Genetics
Classification: Pathogenic for Oculocutaneous albinism type 1A; SKIN/HAIR/EYE PIGMENTATION 3, LIGHT/DARK SKIN; Oculocutaneous albinism type 1B. Last evaluated: 2018-10-31. Review status: criteria provided, single submitter. Criteria: ACMG Guidelines, 2015. Collection method: clinical testing. Allele origin: unknown.

Genetic Services Laboratory, University of Chicago
Classification: Pathogenic for Albinism, oculocutaneous, type IA. Last evaluated: 2017-03-20. Review status: criteria provided, single submitter. Criteria: ACMG Guidelines, 2015. Collection method: clinical testing. Allele origin: germline. Affected: yes.

Juno Genomics, Hangzhou Juno Genomics, Inc
Classification: Pathogenic for Oculocutaneous albinism type 1A; Oculocutaneous albinism type 1B. Review status: criteria provided, single submitter. Criteria: ACMG Guidelines, 2015. Collection method: clinical testing. Allele origin: germline. Affected: yes.
Comment: Absent from controls (or at extremely low frequency if recessive) in Genome Aggregation Database, Exome Sequencing Project, 1000 Genomes Project, or Exome Aggregation Consortium.;Null variant in a gene where loss of function (LOF) is a known mechanism of disease.;For recessive disorders, detected in trans with a pathogenic variant.;Patient's phenotype or family history is highly specific for a disease with a single genetic etiology.

Laboratoire de Génétique Moléculaire, CHU Bordeaux
Classification: Pathogenic for Oculocutaneous albinism type 1A. Review status: criteria provided, single submitter. Criteria: ACMG Guidelines, 2015. Collection method: clinical testing, in vitro. Allele origin: germline, not applicable. Affected: yes. Observed: 1 variant allele. Functional consequence: decreased enzyme activity.

Medical Molecular Genetics Department, National Research Center
Classification: Pathogenic for Oculocutaneous albinism type 1A. Review status: criteria provided, single submitter. Criteria: ACMG Guidelines, 2015. Collection method: clinical testing. Allele origin: germline. Affected: yes.

PreventionGenetics, part of Exact Sciences
Classification: Pathogenic for TYR-related condition. Last evaluated: 2024-08-01. Review status: no assertion criteria provided. Collection method: clinical testing. Allele origin: germline. Not counted in ClinVar's aggregate classification.
Comment: The TYR c.346C>T variant is predicted to result in premature protein termination (p.Arg116*). This variant has been reported in multiple individuals with oculocutaneous albinism (see for examples: Oetting et al. 1998. PubMed ID: 10671066; Wei et al. 2013. PubMed ID: 23324268; Lin et al. 2019. PubMed ID: 31199599). This variant is reported in 0.025% of alleles in individuals of East Asian descent in gnomAD. Nonsense variants in TYR are an established mechanism of disease. Given the evidence, we interpret this variant as pathogenic.

Retina International
No classification provided. Review status: no classification provided. Collection method: not provided. Allele origin: unknown. Not counted in ClinVar's aggregate classification.

Literature cited by the submitters: PubMed 39251934 (cited by Kasturba Medical College, Manipal, Kasturba Medical College, Manipal, Manipal Academy of Higher Education, Manipal, India and Dasa); PubMed 23504663 (cited by Labcorp Genetics (formerly Invitae), Labcorp); PubMed 31077556 (cited by Labcorp Genetics (formerly Invitae), Labcorp); PubMed 31199599 (cited by Labcorp Genetics (formerly Invitae), Labcorp and Dasa); PubMed 34838614 (cited by Women's Health and Genetics/Laboratory Corporation of America, LabCorp).

NM_000372.5(TYR):c.346C>T (p.Arg116Ter)

Gene: TYR (tyrosinase; plus strand). Cytogenetic location: 11q14.3.
Variant type: single nucleotide variant.
Coding change: c.346C>T on transcript NM_000372.5 (MANE Select); coding-DNA position 346, C replaced by T.
Protein change: p.Arg116Ter; replaces arginine 116 with a stop codon.
Molecular consequence: nonsense.
Genome position (GRCh38, 1-based): chr11:89,178,299, C>T. VCF-style: chr11-89178299-C-T. GRCh37 (hg19) VCF-style: chr11-88911467-C-T.
Other names: short protein forms R116*.
Identifiers: ClinVar variation 99565 (VCV000099565.32), dbSNP rs61753256, ClinGen allele CA227562.
Genomic context (GRCh38, chr11:89,178,299, plus strand): 5'-ATGGGATTCAACTGTGGAAACTGCAAGTTTGGCTTTTGGGGACCAAACTGCACAGAGAGA[C>T]GACTCTTGGTGAGAAGAAACATCTTCGATTTGAGTGCCCCAGAGAAGGACAAATTTTTTG-3'